The following is an entry in ClinVar:

NM_177438.3(DICER1):c.5681G>A (p.Gly1894Asp)

Gene: DICER1 (dicer 1, ribonuclease III; minus strand). Cytogenetic location: 14q32.13.
Variant type: single nucleotide variant.
Coding change: c.5681G>A on transcript NM_177438.3 (MANE Select); coding-DNA position 5681, G replaced by A.
Protein change: p.Gly1894Asp; replaces glycine 1894 with aspartic acid.
Molecular consequence: missense variant. On other transcripts: 3 prime UTR variant (1).
Genome position (GRCh38, 1-based): chr14:95,090,586, C>T on the plus strand (G>A on the coding strand, the complement: DICER1 is on the minus strand). VCF-style: chr14-95090586-C-T. GRCh37 (hg19) VCF-style: chr14-95556923-C-T.
Other names: c.*28G>A (NM_001195573.1); c.5681G>A, p.Gly1894Asp (NM_001271282.3, NM_001291628.2, NM_030621.4); c.5681G>A (NM_177438.2); short protein forms G1894D.
Identifiers: ClinVar variation 1480287 (VCV001480287.10), dbSNP rs2139766286, ClinGen allele CA390863269.
Genomic context (GRCh38, chr14:95,090,586, plus strand): 5'-GCTTTGAGGCTTCGGAGGGCTCTTCTTGCTGCTGCAGATTTGGCAATCCTGTAACTTCGA[C>T]CAACACCTTTAAATTTCCCCTTTCCTACTACTTCCACAGTGACTCTGACCTTCCCGTCGT-3'
Protein context (NP_803187.1, residues 1884-1904): VVGKGKFKGV[Gly1894Asp]RSYRIAKSAA

ClinVar aggregate classification (germline): Uncertain significance. Review status: criteria provided, multiple submitters, no conflicts (2 of 4 stars). 2 submissions from 2 submitters: Uncertain significance (2). Last evaluated 2026-08-11.

Conditions:
Hereditary cancer-predisposing syndrome. Also called: Hereditary Cancer Syndrome; Tumor predisposition; Neoplastic Syndromes, Hereditary; Hereditary neoplastic syndrome. Identifiers: Orphanet 140162, MedGen C0027672, MeSH D009386, MONDO:0015356.
DICER1-related tumor predisposition. Also called: DICER1-related pleuropulmonary blastoma cancer predisposition syndrome; DICER1 syndrome. Identifiers: Orphanet 284343, MedGen C3839822, MONDO:0100216.

Submissions (2):

Ambry Genetics
Classification: Uncertain significance for Hereditary cancer-predisposing syndrome. Last evaluated: 2026-08-11. Review status: criteria provided, single submitter. Criteria: Ambry Variant Classification Scheme 2023. Collection method: clinical testing. Allele origin: germline.
Comment: The p.G1894D variant (also known as c.5681G>A), located in coding exon 26 of the DICER1 gene, results from a G to A substitution at nucleotide position 5681. The glycine at codon 1894 is replaced by aspartic acid, an amino acid with similar properties. This amino acid position is conserved. In addition, this alteration is predicted to be deleterious by in silico analysis. Based on the available evidence, the clinical significance of this variant remains unclear.

Labcorp Genetics (formerly Invitae), Labcorp
Classification: Uncertain significance for DICER1-related tumor predisposition. Last evaluated: 2024-08-18. Review status: criteria provided, single submitter. Criteria: Invitae Variant Classification Sherloc (09022015). Collection method: clinical testing. Allele origin: germline.
Comment: This sequence change replaces glycine, which is neutral and non-polar, with aspartic acid, which is acidic and polar, at codon 1894 of the DICER1 protein (p.Gly1894Asp). This variant is not present in population databases (gnomAD no frequency). This variant has not been reported in the literature in individuals affected with DICER1-related conditions. ClinVar contains an entry for this variant (Variation ID: 1480287). An algorithm developed to predict the effect of missense changes on protein structure and function (PolyPhen-2) suggests that this variant is likely to be disruptive. In summary, the available evidence is currently insufficient to determine the role of this variant in disease. Therefore, it has been classified as a Variant of Uncertain Significance.